The following is an entry in ClinVar:

NM_024642.5(GALNT12):c.262G>A (p.Gly88Ser)

Gene: GALNT12 (polypeptide N-acetylgalactosaminyltransferase 12; plus strand). Cytogenetic location: 9q22.33.
Variant type: single nucleotide variant.
Coding change: c.262G>A on transcript NM_024642.5 (MANE Select); coding-DNA position 262, G replaced by A.
Protein change: p.Gly88Ser; replaces glycine 88 with serine.
Molecular consequence: missense variant.
Genome position (GRCh38, 1-based): chr9:98,807,960, G>A. VCF-style: chr9-98807960-G-A. GRCh37 (hg19) VCF-style: chr9-101570242-G-A.
Other names: short protein forms G88S.
Identifiers: ClinVar variation 485683 (VCV000485683.7), dbSNP rs1330744547, ClinGen allele CA374222664.
Genomic context (GRCh38, chr9:98,807,960, plus strand): 5'-CCGCCGGTGCCGGCGAACGCGCTGGGCGCGCGGGGCGAGGCGGTGCGGCTGCAGCTGCAG[G>A]GCGAGGAGCTGCGGCTGCAGGAGGAGAGCGTGCGGCTGCACCAGATTAACATCTACCTCA-3'
Protein context (NP_078918.3, residues 78-98): RGEAVRLQLQ[Gly88Ser]EELRLQEESV

ClinVar aggregate classification (germline): Uncertain significance (1 of 4 stars; one submission).

Allele frequency attached by ClinVar (database versions not stated): gnomAD below 0.00001 and 0.00001; gnomAD exomes below 0.00001; TOPMed 0.00001.
gnomAD v4.1: 4 of 1,462,016 alleles (0.00027%); highest among the groups gnomAD compares: South Asian, 0.0027%; no homozygotes.

Submission:

Ambry Genetics
Classification: Uncertain significance. Last evaluated: 2025-09-28. Review status: criteria provided, single submitter. Criteria: Ambry Variant Classification Scheme 2023. Collection method: clinical testing. Allele origin: germline.
Comment: The p.G88S variant (also known as c.262G>A), located in coding exon 1 of the GALNT12 gene, results from a G to A substitution at nucleotide position 262. The glycine at codon 88 is replaced by serine, an amino acid with similar properties. This amino acid position is well conserved in available vertebrate species. In addition, this alteration is predicted to be tolerated by in silico analysis. Since supporting evidence is limited at this time, the clinical significance of this alteration remains unclear.